The following is an entry in ClinVar:

NM_003184.4(TAF2):c.1680C>T (p.Tyr560=)

Gene: TAF2 (TATA-box binding protein associated factor 2; minus strand). Cytogenetic location: 8q24.12.
Variant type: single nucleotide variant.
Coding change: c.1680C>T on transcript NM_003184.4 (MANE Select); coding-DNA position 1680, C replaced by T.
Protein change: p.Tyr560=; no amino-acid change (tyrosine 560 retained).
Molecular consequence: synonymous variant.
Genome position (GRCh38, 1-based): chr8:119,788,793, G>A on the plus strand (C>T on the coding strand, the complement: TAF2 is on the minus strand). VCF-style: chr8-119788793-G-A. GRCh37 (hg19) VCF-style: chr8-120801033-G-A.
Other names: c.1680C>T (NM_003184.3).
Identifiers: ClinVar variation 2085567 (VCV002085567.6), dbSNP rs767768594, ClinGen allele CA4857251.

ClinVar aggregate classification (germline): Likely benign. Review status: criteria provided, single submitter (1 of 4 stars). 2 submissions from 2 submitters: Likely benign (1). 1 of the submissions does not count toward it. Last evaluated 2023-12-07.

Conditions:
TAF2-related disorder. Also called: TAF2-related condition.

Allele frequency attached by ClinVar (database versions not stated): gnomAD 0.00003; TOPMed 0.00003; ExAC 0.00004.
gnomAD v4.1: 130 of 1,609,622 alleles (0.0081%); highest among the groups gnomAD compares: Non-Finnish European, 0.01%; no homozygotes.

Submissions (2):

Labcorp Genetics (formerly Invitae), Labcorp
Classification: Likely benign. Last evaluated: 2023-12-07. Review status: criteria provided, single submitter. Criteria: Invitae Variant Classification Sherloc (09022015). Collection method: clinical testing. Allele origin: germline.

PreventionGenetics, part of Exact Sciences
Classification: Likely benign for TAF2-related condition. Last evaluated: 2019-03-29. Review status: no assertion criteria provided. Collection method: clinical testing. Allele origin: germline. Not counted in ClinVar's aggregate classification.
Comment: This variant is classified as likely benign based on ACMG/AMP sequence variant interpretation guidelines (Richards et al. 2015 PMID: 25741868, with internal and published modifications).